The following is an entry in ClinVar:

ClinVar aggregate classification (germline): Pathogenic (1 of 4 stars; one submission).

Conditions:
Duchenne muscular dystrophy (DMD). Also called: MUSCULAR DYSTROPHY, PSEUDOHYPERTROPHIC PROGRESSIVE, DUCHENNE TYPE; Duchenne Muscular Dystrophy (DMD). Identifiers: Orphanet 98896, MedGen C0013264, MONDO:0010679, OMIM 310200.

Submission:

Victorian Clinical Genetics Services, Murdoch Childrens Research Institute
Classification: Pathogenic for Duchenne muscular dystrophy. Last evaluated: 2022-02-02. Review status: criteria provided, single submitter. Criteria: ACMG Guidelines, 2015. Collection method: clinical testing. Allele origin: germline.
Comment: Based on the classification scheme VCGS_Germline_v1.3.4, this variant is classified as Pathogenic. Following criteria are met: 0102 - Loss of function is a known mechanism of disease in this gene and is associated with Becker muscular dystrophy (MIM#300376), Duchenne muscular dystrophy (MIM#310200) and dilated cardiomyopathy 3B (DCM; MIM#302045). (I) 0109 - This gene is associated with X-linked recessive disease. This gene is primarily associated with X-linked recessive disease relating to the muscular dystrophy phenotypes. However, it is also associated with X-linked dominant DCM (OMIM, PMID: 26066469). (I) 0201 - Variant is predicted to cause nonsense-mediated decay (NMD) and loss of protein (premature termination codon is located at least 54 nucleotides upstream of the final exon-exon junction). (SP) 0253 - This variant is hemizygous. (I) 0301 - Variant is absent from gnomAD (both v2 and v3). (SP) 0701 - Other variants predicted to result in NMD comparable to the one identified in this case have very strong previous evidence for pathogenicity (DECIPHER). (SP) 0807 - This variant has no previous evidence of pathogenicity. (I) 0905 - No published segregation evidence has been identified for this variant. (I) 1007 - No published functional evidence has been identified for this variant. (I) Legend: (SP) - Supporting pathogenic, (I) - Information, (SB) - Supporting benign

Literature cited by the submitters: PubMed 26066469.

NM_004006.3(DMD):c.8627dup (p.Pro2877fs)

Gene: DMD (dystrophin; minus strand). Cytogenetic location: Xp21.2.
Variant type: Duplication.
Coding change: c.8627dup on transcript NM_004006.3 (MANE Select); coding-DNA position 8627, one base duplicated (A; older notation c.8627dupA).
Protein change: p.Pro2877fs; shifts the reading frame from proline 2877.
Molecular consequence: frameshift variant.
Genome position (GRCh38, 1-based): chrX:31,479,024, T duplicated on the plus strand (A on the coding strand, the reverse complement: DMD is on the minus strand). VCF-style (leftmost placement, unchanged base first): chrX-31479023-C-CT. GRCh37 (hg19) VCF-style: chrX-31497140-C-CT.
Other names: c.8603dup, p.Pro2869fs (NM_000109.4); c.8615dup, p.Pro2873fs (NM_004009.3); c.8258dup, p.Pro2754fs (NM_004010.3); c.4604dup, p.Pro1536fs (NM_004011.4); c.4595dup, p.Pro1533fs (NM_004012.4); c.1247dup, p.Pro417fs (NM_004013.3, NM_004020.4, NM_004021.3 and 2 more transcripts); c.440dup, p.Pro148fs (NM_004014.3); c.8627dupA (NM_004006.2); short protein forms P148fs, P1533fs, P1536fs, P2754fs, P2869fs, P2873fs, P2877fs, P417fs.
Identifiers: ClinVar variation 1805413 (VCV001805413.2), dbSNP rs2525325352, ClinGen allele CA2573050710.